The following is an entry in ClinVar:

NM_001625.2:c.+180G>T

Gene: AK2 (adenylate kinase 2; minus strand). Cytogenetic location: 1p35.1.
Variant type: single nucleotide variant.
Identifiers: ClinVar variation 136328 (VCV000136328.1).

ClinVar aggregate classification (germline): Benign (1 of 4 stars; one submission).

Submission:

GeneDx
Classification: Benign. Last evaluated: 2013-03-28. Review status: criteria provided, single submitter. Criteria: GeneDx Variant Classification (06012015). Collection method: clinical testing. Allele origin: germline.
Comment: The variant is found in SCID panel(s).